The following is an entry in ClinVar:

ClinVar aggregate classification (germline): Likely benign (1 of 4 stars; one submission).

Conditions:
DST-related disorder. Also called: DST-related disorders; DST-related condition.

gnomAD v4.1: 135 of 1,613,774 alleles (0.0084%); highest among the groups gnomAD compares: East Asian, 0.28%; 1 homozygote.

Submission:

PreventionGenetics, part of Exact Sciences
Classification: Likely benign for DST-related condition. Last evaluated: 2026-05-28. Review status: criteria provided, single submitter. Criteria: ACMG Guidelines, 2015. Collection method: clinical testing. Allele origin: germline.
Comment: This variant is classified as likely benign based on ACMG/AMP sequence variant interpretation guidelines (Richards et al. 2015 PMID: 25741868, with internal and published modifications).

NM_001374736.1(DST):c.1722G>A (p.Gly574=)

Gene: DST (dystonin; minus strand). Cytogenetic location: 6p12.1.
Variant type: single nucleotide variant.
Coding change: c.1722G>A on transcript NM_001374736.1 (MANE Select); coding-DNA position 1722, G replaced by A.
Protein change: p.Gly574=; no amino-acid change (glycine 574 retained).
Molecular consequence: synonymous variant.
Genome position (GRCh38, 1-based): chr6:56,645,922, C>T on the plus strand (G>A on the coding strand, the complement: DST is on the minus strand). VCF-style: chr6-56645922-C-T. GRCh37 (hg19) VCF-style: chr6-56510720-C-T.
Other names: c.1623G>A, p.Gly541= (NM_001144769.5); c.1209G>A, p.Gly403= (NM_001144770.2); c.1722G>A, p.Gly574= (NM_001374722.1); c.1089G>A, p.Gly363= (NM_001374729.1, NM_001374730.1, NM_001386100.1 and 1 more transcripts); c.1749G>A, p.Gly583= (NM_001374734.1).
Identifiers: ClinVar variation 4989160 (VCV004989160.1).